The following is an entry in ClinVar:

NM_001267550.2(TTN):c.101945A>G (p.Tyr33982Cys)

Genes: TTN (titin; minus strand), TTN-AS1 (TTN antisense RNA 1; plus strand). Cytogenetic location: 2q31.2.
Variant type: single nucleotide variant.
Coding change: c.101945A>G on transcript NM_001267550.2 (MANE Select); coding-DNA position 101945, A replaced by G.
Protein change: p.Tyr33982Cys; replaces tyrosine 33982 with cysteine.
Molecular consequence: missense variant.
Genome position (GRCh38, 1-based): chr2:178,534,670, T>C on the plus strand (A>G on the coding strand, the complement: TTN is on the minus strand). VCF-style: chr2-178534670-T-C. GRCh37 (hg19) VCF-style: chr2-179399397-T-C.
Other names: c.97022A>G, p.Tyr32341Cys (NM_001256850.1); c.74750A>G, p.Tyr24917Cys (NM_003319.4); c.94241A>G, p.Tyr31414Cys (NM_133378.4); c.75125A>G, p.Tyr25042Cys (NM_133432.3); c.75326A>G, p.Tyr25109Cys (NM_133437.4); short protein forms Y32341C, Y33982C, Y24917C, Y31414C, Y25042C, Y25109C.
Identifiers: ClinVar variation 2113255 (VCV002113255.4), dbSNP rs888342815, ClinGen allele CA60959601.

ClinVar aggregate classification (germline): Uncertain significance (1 of 4 stars; one submission).

Conditions:
Dilated cardiomyopathy 1G (CMD1G). Identifiers: Orphanet 154, MedGen C1858763, MONDO:0011400, OMIM 604145.
Autosomal recessive limb-girdle muscular dystrophy type 2J (LGMDR10). Also called: Limb-girdle muscular dystrophy, type 2J; MUSCULAR DYSTROPHY, LIMB-GIRDLE, AUTOSOMAL RECESSIVE 10. Identifiers: Orphanet 140922, MedGen C1837342, MONDO:0012127, OMIM 608807.

Allele frequency attached by ClinVar (database versions not stated): gnomAD 0.00001; TOPMed 0.00002.
gnomAD v4.1: 1 of 1,613,690 alleles (0.000062%); highest among the groups gnomAD compares: African/African-American, 0.0013%; no homozygotes.

Submission:

Labcorp Genetics (formerly Invitae), Labcorp
Classification: Uncertain significance for Dilated cardiomyopathy 1G; Autosomal recessive limb-girdle muscular dystrophy type 2J. Last evaluated: 2024-06-12. Review status: criteria provided, single submitter. Criteria: Invitae Variant Classification Sherloc (09022015). Collection method: clinical testing. Allele origin: germline.
Comment: This sequence change replaces tyrosine, which is neutral and polar, with cysteine, which is neutral and slightly polar, at codon 33982 of the TTN protein (p.Tyr33982Cys). This variant is not present in population databases (gnomAD no frequency). This variant has not been reported in the literature in individuals affected with TTN-related conditions. ClinVar contains an entry for this variant (Variation ID: 2113255). Algorithms developed to predict the effect of missense changes on protein structure and function output the following: SIFT: "Not Available"; PolyPhen-2: "Not Available"; Align-GVGD: "Not Available". The cysteine amino acid residue is found in multiple mammalian species, which suggests that this missense change does not adversely affect protein function. This variant is located in the M band of TTN (PMID: 25589632). Non-truncating variants in this region may be relevant for neuromuscular disorders, but have not been definitively shown to cause cardiomyopathy (PMID: 23975875). In summary, the available evidence is currently insufficient to determine the role of this variant in disease. Therefore, it has been classified as a Variant of Uncertain Significance.

Literature cited by the submitters: PubMed 25589632; PubMed 23975875.